The following is an entry in ClinVar:

ClinVar aggregate classification (germline): Uncertain significance. Review status: criteria provided, multiple submitters, no conflicts (2 of 4 stars). 2 submissions from 2 submitters: Uncertain significance (2). Last evaluated 2025-12-15.

Conditions:
Primary ciliary dyskinesia. Also called: Ciliary dyskinesia. Identifiers: Orphanet 244, MedGen C0008780, MONDO:0016575, HP:0012265.

gnomAD v4.1: 1 of 1,603,582 alleles (0.000062%); highest among the groups gnomAD compares: Middle Eastern, 0.017%; no homozygotes.

Submissions (2):

Ambry Genetics
Classification: Uncertain significance. Last evaluated: 2025-12-15. Review status: criteria provided, single submitter. Criteria: Ambry Variant Classification Scheme 2023. Collection method: clinical testing. Allele origin: germline.

Labcorp Genetics (formerly Invitae), Labcorp
Classification: Uncertain significance for Primary ciliary dyskinesia. Last evaluated: 2025-09-09. Review status: criteria provided, single submitter. Criteria: Invitae Variant Classification Sherloc (09022015). Collection method: clinical testing. Allele origin: germline.
Comment: This sequence change replaces leucine, which is neutral and non-polar, with phenylalanine, which is neutral and non-polar, at codon 2646 of the DNAH8 protein (p.Leu2646Phe). This variant is not present in population databases (gnomAD no frequency). This variant has not been reported in the literature in individuals affected with DNAH8-related conditions. Invitae Evidence Modeling of protein sequence and biophysical properties (such as structural, functional, and spatial information, amino acid conservation, physicochemical variation, residue mobility, and thermodynamic stability) indicates that this missense variant is not expected to disrupt DNAH8 protein function with a negative predictive value of 80%. In summary, the available evidence is currently insufficient to determine the role of this variant in disease. Therefore, it has been classified as a Variant of Uncertain Significance.

NM_001206927.2(DNAH8):c.7938G>C (p.Leu2646Phe)

Gene: DNAH8 (dynein axonemal heavy chain 8; plus strand). Cytogenetic location: 6p21.2.
Variant type: single nucleotide variant.
Coding change: c.7938G>C on transcript NM_001206927.2 (MANE Select); coding-DNA position 7938, G replaced by C.
Protein change: p.Leu2646Phe; replaces leucine 2646 with phenylalanine.
Molecular consequence: missense variant.
Genome position (GRCh38, 1-based): chr6:38,882,989, G>C. VCF-style: chr6-38882989-G-C. GRCh37 (hg19) VCF-style: chr6-38850765-G-C.
Other names: c.7938G>C (NM_001206927.1); c.7287G>C, p.Leu2429Phe (NM_001371.4); short protein forms L2429F, L2646F.
Identifiers: ClinVar variation 4694010 (VCV004694010.2).